The following is an entry in ClinVar:

ClinVar aggregate classification (germline): Uncertain significance (1 of 4 stars; one submission).

Conditions:
Wilms tumor 6 (WT6). Also called: WILMS TUMOR 6, SUSCEPTIBILITY TO. Identifiers: Orphanet 654, MedGen C3891301, MONDO:0014779, OMIM 616806.

Allele frequency attached by ClinVar (database versions not stated): gnomAD exomes 0.00001.
gnomAD v4.1: 3 of 1,601,392 alleles (0.00019%); highest among the groups gnomAD compares: Non-Finnish European, 0.00026%; no homozygotes.

Submission:

St. Jude Molecular Pathology, St. Jude Children's Research Hospital
Classification: Uncertain significance for Wilms tumor 6. Last evaluated: 2022-02-24. Review status: criteria provided, single submitter. Criteria: St. Jude Assertion Criteria 2020. Collection method: clinical testing. Allele origin: germline.
Comment: The REST c.1881G>T (p.Gln627His) missense change is absent in gnomAD v2.1.1 (PM2_supporting ). Five of seven in silico tools predict a benign effect of this variant on protein function (BP4), but to our knowledge these predictions have not been confirmed by functional studies. To our knowledge, this variant has not been reported in individuals with Wilms tumor. In summary, this variant meets criteria to be classified as of uncertain significance based on the ACMG/AMP criteria: PM2_supporting, BP4

NM_005612.5(REST):c.1881G>T (p.Gln627His)

Gene: REST (RE1 silencing transcription factor; plus strand). Cytogenetic location: 4q12.
Variant type: single nucleotide variant.
Coding change: c.1881G>T on transcript NM_005612.5 (MANE Select); coding-DNA position 1881, G replaced by T.
Protein change: p.Gln627His; replaces glutamine 627 with histidine.
Molecular consequence: missense variant.
Genome position (GRCh38, 1-based): chr4:56,930,739, G>T. VCF-style: chr4-56930739-G-T. GRCh37 (hg19) VCF-style: chr4-57796905-G-T.
Other names: c.1881G>T, p.Gln627His (NM_001193508.2, NM_001363453.3); short protein forms Q627H.
Identifiers: ClinVar variation 1691514 (VCV001691514.4), dbSNP rs1720922537, ClinGen allele CA357007622.
Genomic context (GRCh38, chr4:56,930,739, plus strand): 5'-GATGGACCCTCCTCAGATGGGGCCTGCTCCCACAGAGGCGGTTCAGAAGGGGCCCGTTCA[G>T]GTGGAGCCGCCACCTCCCATGGAGCATGCTCAGATGGAGGGTGCCCAGATACGGCCTGCT-3'
Protein context (NP_005603.3, residues 617-637): PTEAVQKGPV[Gln627His]VEPPPPMEHA